The following is an entry in ClinVar:

ClinVar aggregate classification (germline): Uncertain significance (1 of 4 stars; one submission).

Allele frequency attached by ClinVar (database versions not stated): TOPMed below 0.00001; gnomAD exomes 0.00001.
gnomAD v4.1: 4 of 1,575,938 alleles (0.00025%); highest among the groups gnomAD compares: Non-Finnish European, 0.00034%; no homozygotes.

Submission:

Labcorp Genetics (formerly Invitae), Labcorp
Classification: Uncertain significance. Last evaluated: 2020-11-14. Review status: criteria provided, single submitter. Criteria: Invitae Variant Classification Sherloc (09022015). Collection method: clinical testing. Allele origin: germline.
Comment: This sequence change replaces alanine with threonine at codon 128 of the SI protein (p.Ala128Thr). The alanine residue is moderately conserved and there is a small physicochemical difference between alanine and threonine. This variant is not present in population databases (ExAC no frequency). This variant has not been reported in the literature in individuals with SI-related conditions. Algorithms developed to predict the effect of missense changes on protein structure and function output the following: SIFT: "Deleterious"; PolyPhen-2: "Benign"; Align-GVGD: "Class C0". The threonine amino acid residue is found in multiple mammalian species, suggesting that this missense change does not adversely affect protein function. These predictions have not been confirmed by published functional studies and their clinical significance is uncertain. In summary, the available evidence is currently insufficient to determine the role of this variant in disease. Therefore, it has been classified as a Variant of Uncertain Significance.

NM_001041.4(SI):c.382G>A (p.Ala128Thr)

Gene: SI (sucrase-isomaltase; minus strand). Cytogenetic location: 3q26.1.
Variant type: single nucleotide variant.
Coding change: c.382G>A on transcript NM_001041.4 (MANE Select); coding-DNA position 382, G replaced by A.
Protein change: p.Ala128Thr; replaces alanine 128 with threonine.
Molecular consequence: missense variant.
Genome position (GRCh38, 1-based): chr3:165,068,823, C>T on the plus strand (G>A on the coding strand, the complement: SI is on the minus strand). VCF-style: chr3-165068823-C-T. GRCh37 (hg19) VCF-style: chr3-164786611-C-T.
Other names: short protein forms A128T.
Identifiers: ClinVar variation 1499591 (VCV001499591.8), dbSNP rs1414623313, ClinGen allele CA355035092.